The following is an entry in ClinVar:

NM_004247.4(EFTUD2):c.1742del (p.Lys581fs)

Gene: EFTUD2 (elongation factor Tu GTP binding domain containing 2; minus strand). Cytogenetic location: 17q21.31.
Variant type: Deletion.
Coding change: c.1742del on transcript NM_004247.4 (MANE Select); coding-DNA position 1742, one base deleted (A; older notation c.1742delA).
Protein change: p.Lys581fs; shifts the reading frame from lysine 581.
Molecular consequence: frameshift variant.
Genome position (GRCh38, 1-based): chr17:44,860,023, T deleted on the plus strand (A on the coding strand, the reverse complement: EFTUD2 is on the minus strand); the first of 2 consecutive T bases (chr17:44,860,023-44,860,024); deleting either gives the same sequence. VCF-style (leftmost placement, unchanged base first): chr17-44860022-CT-C. GRCh37 (hg19) VCF-style: chr17-42937390-CT-C.
Other names: c.1742delA (NM_004247.4); c.1637del, p.Lys546fs (NM_001142605.2); c.1742del, p.Lys581fs (NM_001258353.2); c.1712del, p.Lys571fs (NM_001258354.2); short protein forms K546fs, K571fs, K581fs.
Identifiers: ClinVar variation 812586 (VCV000812586.2), dbSNP rs1597795170, ClinGen allele CA915950155.
Genomic context (GRCh38, chr17:44,860,022, plus strand): 5'-GGGCAGCTCTGAGGGGTTGACTGGCTCCACAGCAATCTTGATAACAGATGTGGTATTGAA[CT>C]TCAAGGGTCGGAAAATCTGAGCCTGAGATCCAAAGCACAAAGGACTGAGGGCAACTGGCA-3'

ClinVar aggregate classification (germline): Likely pathogenic. Review status: criteria provided, single submitter (1 of 4 stars). 2 submissions from 2 submitters: Likely pathogenic (1). 1 of the submissions does not count toward it.

Conditions:
Mandibulofacial dysostosis-microcephaly syndrome (MFDGA). Also called: Growth and mental retardation, mandibulofacial dysostosis, microcephaly, and cleft palate; Mandibulofacial dysostosis, Guion-Almeida type. Identifiers: Orphanet 79113, MedGen C1864652, MONDO:0012516, OMIM 610536.

Submissions (2):

Molecular Genetics Department, Kulakov National Medical Research Center for Obstetrics, Gynecology and Perinatology
Classification: Likely pathogenic for Mandibulofacial dysostosis-microcephaly syndrome. Review status: criteria provided, single submitter. Criteria: ACMG Guidelines, 2015. Collection method: clinical testing. Allele origin: de novo. Affected: yes.
Comment: A previously undescribed nucleotide variant creates a frameshift p.Lys581SerfsTer48 in the EFTUD2 gene. Loss-of-function variants are reported in patients with Mandibulofacial dysostosis, Guion-Almeida type, 610536. The variant is not present in population database (gnomAD no frequency). In summary, the currently available evidence indicates that the variant is pathogenic, but additional data are needed to prove that conclusively. Therefore, this variant has been classified as likely pathogenic.

Institute of Human Genetics, Cologne University
Classification: Likely pathogenic for Mandibulofacial dysostosis-microcephaly syndrome. Review status: no assertion criteria provided. Collection method: clinical testing. Allele origin: germline. Affected: yes. Observed: 1 heterozygote. Not counted in ClinVar's aggregate classification.